The following is an entry in ClinVar:

ClinVar aggregate classification (germline): Benign/Likely benign. Review status: criteria provided, multiple submitters, no conflicts (2 of 4 stars). 3 submissions from 3 submitters: Benign (1); Likely benign (2). Last evaluated 2018-08-28.

Conditions:
Multiple sulfatase deficiency (MSD). Also called: Mucosulfatidosis; Multiple Sulfatase Deficiency Disease; Sulfatidosis, Juvenile, Austin Type. Identifiers: Orphanet 585, MedGen C0268263, MONDO:0010088, OMIM 272200.

Allele frequency attached by ClinVar (database versions not stated): 1000 Genomes Project 0.02776; 1000 Genomes Project 30x 0.02811; gnomAD exomes 0.02938; TOPMed 0.03071; gnomAD 0.03285 and 0.03368.
gnomAD v4.1: 12,700 of 414,266 alleles (3.1%); highest among the groups gnomAD compares: African/African-American, 3.7%; 222 homozygotes.

Submissions (3):

GeneDx
Classification: Likely benign. Last evaluated: 2018-08-28. Review status: criteria provided, single submitter. Criteria: GeneDx Variant Classification Process June 2021. Collection method: clinical testing. Allele origin: germline. Affected: yes.

Illumina Laboratory Services, Illumina
Classification: Benign for Multiple sulfatase deficiency. Last evaluated: 2018-01-13. Review status: criteria provided, single submitter. Criteria: ICSL Variant Classification Criteria 13 December 2019. Collection method: clinical testing. Allele origin: germline.
Comment: This variant was observed in the ICSL laboratory as part of a predisposition screen in an ostensibly healthy population. It had not been previously curated by ICSL or reported in the Human Gene Mutation Database (HGMD: prior to June 1st, 2018), and was therefore a candidate for classification through an automated scoring system. Utilizing variant allele frequency, disease prevalence and penetrance estimates, and inheritance mode, an automated score was calculated to assess if this variant is too frequent to cause the disease. Based on the score and internal cut-off values, a variant classified as benign is not then subjected to further curation. The score for this variant resulted in a classification of benign for this disease.

Breakthrough Genomics
Classification: Likely benign. Review status: criteria provided, single submitter. Criteria: ACMG Guidelines, 2015. Collection method: not provided. Allele origin: germline. Inheritance: Autosomal recessive inheritance. Affected: yes.

NM_182760.4(SUMF1):c.*292T>A

Gene: SUMF1 (sulfatase modifying factor 1; minus strand). Cytogenetic location: 3p26.1.
Variant type: single nucleotide variant.
Coding change: c.*292T>A on transcript NM_182760.4 (MANE Select); 292 bases downstream of the stop codon, T replaced by A.
Molecular consequence: 3 prime UTR variant.
Genome position (GRCh38, 1-based): chr3:4,361,852, A>T on the plus strand (T>A on the coding strand, the complement: SUMF1 is on the minus strand). VCF-style: chr3-4361852-A-T. GRCh37 (hg19) VCF-style: chr3-4403536-A-T.
Other names: c.*292T>A (NM_001164674.2, NM_001164675.2).
Identifiers: ClinVar variation 345307 (VCV000345307.9), dbSNP rs74979662, ClinGen allele CA10616424.